The following is an entry in ClinVar:

NM_016169.4(SUFU):c.1063A>T (p.Ile355Phe)

Gene: SUFU (SUFU negative regulator of hedgehog signaling; plus strand). Cytogenetic location: 10q24.32.
Variant type: single nucleotide variant.
Coding change: c.1063A>T on transcript NM_016169.4 (MANE Select); coding-DNA position 1063, A replaced by T.
Protein change: p.Ile355Phe; replaces isoleucine 355 with phenylalanine.
Molecular consequence: missense variant.
Genome position (GRCh38, 1-based): chr10:102,615,308, A>T. VCF-style: chr10-102615308-A-T. GRCh37 (hg19) VCF-style: chr10-104375065-A-T.
Other names: c.1063A>T, p.Ile355Phe (NM_001178133.2); short protein forms I355F.
Identifiers: ClinVar variation 1021913 (VCV001021913.9), dbSNP rs1564706425, ClinGen allele CA377913893.

ClinVar aggregate classification (germline): Uncertain significance (1 of 4 stars; one submission).

Conditions:
Medulloblastoma (MDB). Also called: Medulloblastoma, somatic; MEDULLOBLASTOMA PREDISPOSITION SYNDROME. Identifiers: Orphanet 616, MedGen C0025149, MeSH D008527, MONDO:0007959, OMIM 155255, HP:0002885.
Gorlin syndrome. Also called: Nevoid Basal Cell Carcinoma Syndrome; Basal cell nevus syndrome. Identifiers: Orphanet 377, MedGen C0004779, MONDO:0007187.

Submission:

Labcorp Genetics (formerly Invitae), Labcorp
Classification: Uncertain significance for Gorlin syndrome; Medulloblastoma. Last evaluated: 2020-06-30. Review status: criteria provided, single submitter. Criteria: Invitae Variant Classification Sherloc (09022015). Collection method: clinical testing. Allele origin: germline.
Comment: Algorithms developed to predict the effect of missense changes on protein structure and function are either unavailable or do not agree on the potential impact of this missense change (SIFT: "Deleterious"; PolyPhen-2: "Benign"; Align-GVGD: "Class C0"). In summary, the available evidence is currently insufficient to determine the role of this variant in disease. Therefore, it has been classified as a Variant of Uncertain Significance. This variant has not been reported in the literature in individuals with SUFU-related conditions. This variant is not present in population databases (ExAC no frequency). This sequence change replaces isoleucine with phenylalanine at codon 355 of the SUFU protein (p.Ile355Phe). The isoleucine residue is highly conserved and there is a small physicochemical difference between isoleucine and phenylalanine.